The following is an entry in ClinVar:

NM_001080467.3(MYO5B):c.947G>A (p.Gly316Glu)

Gene: MYO5B (myosin VB; minus strand). Cytogenetic location: 18q21.1.
Variant type: single nucleotide variant.
Coding change: c.947G>A on transcript NM_001080467.3 (MANE Select); coding-DNA position 947, G replaced by A.
Protein change: p.Gly316Glu; replaces glycine 316 with glutamic acid.
Molecular consequence: missense variant.
Genome position (GRCh38, 1-based): chr18:49,980,553, C>T on the plus strand (G>A on the coding strand, the complement: MYO5B is on the minus strand). VCF-style: chr18-49980553-C-T. GRCh37 (hg19) VCF-style: chr18-47506923-C-T.
Other names: short protein forms G316E.
Identifiers: ClinVar variation 1965803 (VCV001965803.5), dbSNP rs971419104, ClinGen allele CA299986715.

ClinVar aggregate classification (germline): Uncertain significance (1 of 4 stars; one submission).

gnomAD v4.1: 8 of 1,599,842 alleles (0.0005%); highest among the groups gnomAD compares: South Asian, 0.0011%; no homozygotes.

Submission:

Labcorp Genetics (formerly Invitae), Labcorp
Classification: Uncertain significance. Last evaluated: 2022-02-04. Review status: criteria provided, single submitter. Criteria: Invitae Variant Classification Sherloc (09022015). Collection method: clinical testing. Allele origin: germline.
Comment: In summary, the available evidence is currently insufficient to determine the role of this variant in disease. Therefore, it has been classified as a Variant of Uncertain Significance. Algorithms developed to predict the effect of missense changes on protein structure and function are either unavailable or do not agree on the potential impact of this missense change (SIFT: "Tolerated"; PolyPhen-2: "Possibly Damaging"; Align-GVGD: "Class C0"). This variant has not been reported in the literature in individuals affected with MYO5B-related conditions. This variant is not present in population databases (gnomAD no frequency). This sequence change replaces glycine, which is neutral and non-polar, with glutamic acid, which is acidic and polar, at codon 316 of the MYO5B protein (p.Gly316Glu).